The following is an entry in ClinVar:

ClinVar aggregate classification (germline): Likely pathogenic (1 of 4 stars; one submission).

Conditions:
Exertional Heat Illness.

Submission:

Uniformed Services University, Consortium for Health and Military Performance
Classification: Likely pathogenic for Exertional Heat Illness. Last evaluated: 2024-08-08. Review status: criteria provided, single submitter. Criteria: ACMG Guidelines, 2015. Collection method: research. Allele origin: germline. Affected: yes.
Comment: This pathogenicity assessment is relevant only for Exertional Heat Illness. This sequence change replaces arginine with tryptophan at codon 905 of the TRPM4 protein: p.Arg905Trp. This variant is present in population databases (rs767887106, gnomAD 0.002%). This variant has not been reported in the literature in individuals affected with TRPM4-related conditions. Structural analysis of TRMP4 using available crystal structures of human TRPM4 in Ca2+-free and Ca2+-bound states (PMID: 29217581) performed in our laboratory reveals that the replacement of polar arginine at 905 by a bulky hydrophobic tryptophan residue is expected to disrupt TRPM4 channel function. Our functional studies TRPM4 p.Arg905Trp construct in HEK293 cells shows that this variant impaired thermal sensitivity of TRPM4.. This variant has been classified as a Likely pathogenic. ACMG/AMP criteria implemented: PS3, PM1 and PM2.

NM_017636.4(TRPM4):c.273C>T (p.Leu91=)

Gene: TRPM4 (transient receptor potential cation channel subfamily M member 4; plus strand). Cytogenetic location: 19q13.33.
Variant type: single nucleotide variant.
Coding change: c.273C>T on transcript NM_017636.4 (MANE Select); coding-DNA position 273, C replaced by T.
Protein change: p.Leu91=; no amino-acid change (leucine 91 retained).
Molecular consequence: synonymous variant. On other transcripts: intron variant (4).
Genome position (GRCh38, 1-based): chr19:49,167,922, C>T. VCF-style: chr19-49167922-C-T. GRCh37 (hg19) VCF-style: chr19-49671179-C-T.
Other names: c.273C>T, p.Leu91= (NM_001195227.2); c.-1105-338C>T (NM_001321282.2); c.268-631C>T (NM_001321281.2); c.-74-338C>T (NM_001321283.2); c.-237-631C>T (NM_001321285.2).
Identifiers: ClinVar variation 3340067 (VCV003340067.1).
Genomic context (GRCh38, chr19:49,167,922, plus strand): 5'-GTCTCTCTGGGTCTCTGTCCCCCTCCCTGTGTGCCCCGCTCCCATGTGTCCACAGTTCCT[C>T]CGGCTCTCTGACCGAACGGATCCAGCTGCAGTTTATAGTCTGGTCACACGCACATGGGGC-3'
Protein context (NP_060106.2, residues 81-101): TGAGRKHSNF[Leu91=]RLSDRTDPAA